The following is an entry in ClinVar:

NM_005902.4(SMAD3):c.206+15G>C

Gene: SMAD3 (SMAD family member 3; plus strand). Cytogenetic location: 15q22.33.
Variant type: single nucleotide variant.
Coding change: c.206+15G>C on transcript NM_005902.4 (MANE Select); 15 bases into the intron after coding-DNA position 206, G replaced by C.
Molecular consequence: intron variant.
Genome position (GRCh38, 1-based): chr15:67,066,375, G>C. VCF-style: chr15-67066375-G-C. GRCh37 (hg19) VCF-style: chr15-67358713-G-C.
Identifiers: ClinVar variation 669928 (VCV000669928.2), dbSNP rs1595882218, ClinGen allele CA915946031.
Genomic context (GRCh38, chr15:67,066,375, plus strand): 5'-CCATCACCACGCAGAACGTCAACACCAAGTGCATCACCATCCCCAGGTGGGGGCCCGCCC[G>C]GGGGGGACCCGGGGTCACGCCGGCCCAGCCCCCTGGCACTGCGGGGCCGACCCAGTGGGG-3'

ClinVar aggregate classification (germline): Likely benign. Review status: criteria provided, multiple submitters, no conflicts (2 of 4 stars). 2 submissions from 2 submitters: Likely benign (2). Last evaluated 2025-09-22.

Conditions:
Familial thoracic aortic aneurysm and aortic dissection (TAAD). Also called: Thoracic aortic aneurysms and dissections. Identifiers: Orphanet 91387, MedGen C4707243, MONDO:0019625.

gnomAD v4.1: 3 of 1,601,554 alleles (0.00019%); highest among the groups gnomAD compares: Non-Finnish European, 0.00026%; no homozygotes.

Submissions (2):

Labcorp Genetics (formerly Invitae), Labcorp
Classification: Likely benign for Familial thoracic aortic aneurysm and aortic dissection. Last evaluated: 2025-09-22. Review status: criteria provided, single submitter. Criteria: Invitae Variant Classification Sherloc (09022015). Collection method: clinical testing. Allele origin: germline.

GeneDx
Classification: Likely benign. Last evaluated: 2018-03-27. Review status: criteria provided, single submitter. Criteria: GeneDx Variant Classification (06012015). Collection method: clinical testing. Allele origin: germline. Affected: yes.
Comment: This variant is considered likely benign or benign based on one or more of the following criteria: it is a conservative change, it occurs at a poorly conserved position in the protein, it is predicted to be benign by multiple in silico algorithms, and/or has population frequency not consistent with disease.